The following is an entry in ClinVar:

ClinVar aggregate classification (germline): Uncertain significance (1 of 4 stars; one submission).

Submission:

CeGaT Center for Human Genetics Tuebingen
Classification: Uncertain significance. Last evaluated: 2025-08-01. Review status: criteria provided, single submitter. Criteria: CeGaT Center For Human Genetics Tuebingen Variant Classification Criteria Version 2. Collection method: clinical testing. Allele origin: germline. Affected: yes. Observed: 1 variant allele.
Comment: CRELD1: PM2, PVS1:Moderate

NM_001077415.3(CRELD1):c.11G>A (p.Trp4Ter)

Gene: CRELD1 (CRELD disulfide isomerase 1; plus strand). Cytogenetic location: 3p25.3.
Variant type: single nucleotide variant.
Coding change: c.11G>A on transcript NM_001077415.3 (MANE Select); coding-DNA position 11, G replaced by A.
Protein change: p.Trp4Ter; replaces tryptophan 4 with a stop codon.
Molecular consequence: nonsense. On other transcripts: non-coding transcript variant (3).
Genome position (GRCh38, 1-based): chr3:9,934,449, G>A. VCF-style: chr3-9934449-G-A. GRCh37 (hg19) VCF-style: chr3-9976133-G-A.
Other names: c.11G>A, p.Trp4Ter (NM_001031717.4, NM_001374316.1, NM_001374317.1 and 5 more transcripts); short protein forms W4*.
Identifiers: ClinVar variation 4085897 (VCV004085897.8).